The following is an entry in ClinVar:

NM_000179.3(MSH6):c.4062G>C (p.Leu1354=)

Gene: MSH6 (mutS homolog 6; plus strand). Cytogenetic location: 2p16.3.
Variant type: single nucleotide variant.
Coding change: c.4062G>C on transcript NM_000179.3 (MANE Select); coding-DNA position 4062, G replaced by C.
Protein change: p.Leu1354=; no amino-acid change (leucine 1354 retained).
Molecular consequence: synonymous variant.
Genome position (GRCh38, 1-based): chr2:47,806,839, G>C. VCF-style: chr2-47806839-G-C. GRCh37 (hg19) VCF-style: chr2-48033978-G-C.
Other names: c.3672G>C, p.Leu1224= (NM_001281492.2); c.3156G>C, p.Leu1052= (NM_001281493.2, NM_001281494.2).
Identifiers: ClinVar variation 215660 (VCV000215660.20), dbSNP rs863224335, ClinGen allele CA338095.

ClinVar aggregate classification (germline): Conflicting classifications of pathogenicity. Review status: criteria provided, conflicting classifications (1 of 4 stars). 7 submissions from 7 submitters: Uncertain significance (1); Benign (1); Likely benign (5). Last evaluated 2025-06-24.

Conditions:
Hereditary cancer-predisposing syndrome. Also called: Hereditary neoplastic syndrome; Neoplastic Syndromes, Hereditary; Tumor predisposition; Hereditary Cancer Syndrome. Identifiers: Orphanet 140162, MedGen C0027672, MeSH D009386, MONDO:0015356.
Hereditary nonpolyposis colorectal neoplasms. Identifiers: MedGen C0009405, MeSH D003123.
Lynch syndrome. Identifiers: Orphanet 144, MedGen C4552100, MONDO:0005835. Disease mechanism: loss of function.
Lynch syndrome 5 (LYNCH5). Also called: Colorectal cancer, hereditary nonpolyposis, type 5; Hereditary non-polyposis colorectal cancer, type 5. Identifiers: Orphanet 144, MedGen C1833477, MONDO:0013710, OMIM 614350. Disease mechanism: loss of function.

gnomAD v4.1: 16 of 1,611,154 alleles (0.00099%); highest among the groups gnomAD compares: African/African-American, 0.0013%; no homozygotes.

Submissions (7):

Labcorp Genetics (formerly Invitae), Labcorp
Classification: Likely benign for Hereditary nonpolyposis colorectal neoplasms. Last evaluated: 2025-06-24. Review status: criteria provided, single submitter. Criteria: Invitae Variant Classification Sherloc (09022015). Collection method: clinical testing. Allele origin: germline.

Quest Diagnostics Nichols Institute San Juan Capistrano
Classification: Uncertain significance. Last evaluated: 2025-06-17. Review status: criteria provided, single submitter. Criteria: Quest Diagnostics criteria. Collection method: clinical testing. Allele origin: unknown.
Comment: The MSH6 c.4062G>C (p.Leu1354=) synonymous variant has not been reported in individuals with MSH6-related conditions in the published literature. It also has not been reported in large, multi-ethnic general populations (Genome Aggregation Database). Analysis of this variant using software algorithms for the prediction of the effect of nucleotide changes on splicing yielded predictions that this variant does not affect MSH6 mRNA splicing. Based on the available information, we are unable to determine the clinical significance of this variant.

Myriad Genetics, Inc.
Classification: Benign for Lynch syndrome 5. Last evaluated: 2025-01-09. Review status: criteria provided, single submitter. Criteria: Myriad Autosomal Dominant, Autosomal Recessive and X-Linked Classification Criteria (2023). Collection method: clinical testing. Allele origin: unknown.
Comment: This variant is considered benign. This variant is a silent/synonymous amino acid change and it is not expected to impact splicing.

All of Us Research Program, National Institutes of Health
Classification: Likely benign for Lynch syndrome. Last evaluated: 2023-11-02. Review status: criteria provided, single submitter. Criteria: ACMG Guidelines, 2015. Collection method: clinical testing. Allele origin: germline. Inheritance: Autosomal dominant inheritance. Observed: 2 variant alleles, 2 heterozygotes.
Comment: This study involves interpretation of variants in research participants for the purpose of population health screening. Participant phenotype was not available at the time of variant classification. Additional details can be found in publication PMID: 35346344, PMCID: PMC8962531

Color Diagnostics, LLC DBA Color Health
Classification: Likely benign for Hereditary cancer-predisposing syndrome. Last evaluated: 2018-02-08. Review status: criteria provided, single submitter. Criteria: ACMG Guidelines, 2015. Collection method: clinical testing. Allele origin: germline.

GeneDx
Classification: Likely benign. Last evaluated: 2017-11-15. Review status: criteria provided, single submitter. Criteria: GeneDx Variant Classification (06012015). Collection method: clinical testing. Allele origin: germline. Affected: yes.
Comment: This variant is considered likely benign or benign based on one or more of the following criteria: it is a conservative change, it occurs at a poorly conserved position in the protein, it is predicted to be benign by multiple in silico algorithms, and/or has population frequency not consistent with disease.

Ambry Genetics
Classification: Likely benign for Hereditary cancer-predisposing syndrome. Last evaluated: 2016-02-03. Review status: criteria provided, single submitter. Criteria: Ambry Variant Classification Scheme 2023. Collection method: clinical testing. Allele origin: germline.